The following is an entry in ClinVar:

NC_000008.11:g.103415131A>C

Gene: DCAF13 (DDB1 and CUL4 associated factor 13; plus strand). Cytogenetic location: 8q22.3.
Variant type: single nucleotide variant.
Genome position: GRCh38 VCF-style: chr8-103415131-A-C. GRCh37 (hg19) VCF-style: chr8-104427359-A-C.
Identifiers: ClinVar variation 1269047 (VCV001269047.3), dbSNP rs3134295, ClinGen allele CA4835662.

ClinVar aggregate classification (germline): Benign. Review status: criteria provided, multiple submitters, no conflicts (2 of 4 stars). 2 submissions from 2 submitters: Benign (2). Last evaluated 2018-07-31.

Allele frequency attached by ClinVar (database versions not stated): 1000 Genomes Project 30x 0.42645; 1000 Genomes Project 0.42831; gnomAD exomes 0.43268 and 0.44350; ExAC 0.44058; TOPMed 0.45337; gnomAD 0.45786 and 0.46184; ESP Exome Variant Server 0.46217.

Submissions (2):

GeneDx
Classification: Benign. Last evaluated: 2018-07-31. Review status: criteria provided, single submitter. Criteria: GeneDx Variant Classification Process June 2021. Collection method: clinical testing. Allele origin: germline. Affected: yes.
Comment: This variant is associated with the following publications: (PMID: 20601284)

Breakthrough Genomics
Classification: Benign. Review status: criteria provided, single submitter. Criteria: ACMG Guidelines, 2015. Collection method: not provided. Allele origin: germline. Inheritance: Unknown mechanism. Affected: yes.